The following is an entry in ClinVar:

NM_032043.3(BRIP1):c.2525T>G (p.Leu842Arg)

Gene: BRIP1 (BRCA1 interacting DNA helicase 1; minus strand). Cytogenetic location: 17q23.2.
Variant type: single nucleotide variant.
Coding change: c.2525T>G on transcript NM_032043.3 (MANE Select); coding-DNA position 2525, T replaced by G.
Protein change: p.Leu842Arg; replaces leucine 842 with arginine.
Molecular consequence: missense variant.
Genome position (GRCh38, 1-based): chr17:61,693,480, A>C on the plus strand (T>G on the coding strand, the complement: BRIP1 is on the minus strand). VCF-style: chr17-61693480-A-C. GRCh37 (hg19) VCF-style: chr17-59770841-A-C.
Other names: short protein forms L842R.
Identifiers: ClinVar variation 1382848 (VCV001382848.7), dbSNP rs1060501751, ClinGen allele CA400482437.

ClinVar aggregate classification (germline): Uncertain significance (1 of 4 stars; one submission).

Conditions:
Familial cancer of breast. Also called: BREAST CANCER, FAMILIAL; Hereditary breast cancer; hereditary breast carcinoma. Identifiers: Orphanet 227535, MedGen C0346153, MONDO:0016419, OMIM 114480. Disease mechanism: loss of function.
Fanconi anemia complementation group J. Also called: BRIP1-Related Fanconi Anemia. Identifiers: Orphanet 84, MedGen C1836860, MONDO:0012187, OMIM 609054.

Submission:

Labcorp Genetics (formerly Invitae), Labcorp
Classification: Uncertain significance for Familial cancer of breast; Fanconi anemia complementation group J. Last evaluated: 2022-11-01. Review status: criteria provided, single submitter. Criteria: Invitae Variant Classification Sherloc (09022015). Collection method: clinical testing. Allele origin: germline.
Comment: This variant is not present in population databases (gnomAD no frequency). This variant has not been reported in the literature in individuals affected with BRIP1-related conditions. ClinVar contains an entry for this variant (Variation ID: 1382848). Advanced modeling of protein sequence and biophysical properties (such as structural, functional, and spatial information, amino acid conservation, physicochemical variation, residue mobility, and thermodynamic stability) performed at Invitae indicates that this missense variant is expected to disrupt BRIP1 protein function. Algorithms developed to predict the effect of sequence changes on RNA splicing suggest that this variant may create or strengthen a splice site. In summary, the available evidence is currently insufficient to determine the role of this variant in disease. Therefore, it has been classified as a Variant of Uncertain Significance. This sequence change replaces leucine, which is neutral and non-polar, with arginine, which is basic and polar, at codon 842 of the BRIP1 protein (p.Leu842Arg).